The following is an entry in ClinVar:

ClinVar aggregate classification (germline): Uncertain significance. Review status: criteria provided, multiple submitters, no conflicts (2 of 4 stars). 3 submissions from 3 submitters: Uncertain significance (3). Last evaluated 2022-11-01.

Conditions:
Inborn genetic diseases. Identifiers: MedGen C0950123, MeSH D030342.

Allele frequency attached by ClinVar (database versions not stated): gnomAD 0.00001; gnomAD exomes 0.00001 and 0.00002; TOPMed 0.00002; ExAC 0.00003.
gnomAD v4.1: 11 of 1,613,920 alleles (0.00068%); highest among the groups gnomAD compares: East Asian, 0.0067%; no homozygotes.

Submissions (3):

Blueprint Genetics
Classification: Uncertain significance. Last evaluated: 2022-11-01. Review status: criteria provided, single submitter. Criteria: ACMG Guidelines, 2015. Collection method: clinical testing. Allele origin: germline.

Labcorp Genetics (formerly Invitae), Labcorp
Classification: Uncertain significance. Last evaluated: 2022-07-19. Review status: criteria provided, single submitter. Criteria: Invitae Variant Classification Sherloc (09022015). Collection method: clinical testing. Allele origin: germline.
Comment: In summary, the available evidence is currently insufficient to determine the role of this variant in disease. Therefore, it has been classified as a Variant of Uncertain Significance. Algorithms developed to predict the effect of missense changes on protein structure and function output the following: SIFT: "Tolerated"; PolyPhen-2: "Benign"; Align-GVGD: "Class C0". The lysine amino acid residue is found in multiple mammalian species, which suggests that this missense change does not adversely affect protein function. ClinVar contains an entry for this variant (Variation ID: 1513596). This variant has not been reported in the literature in individuals affected with GRM6-related conditions. This sequence change replaces glutamic acid, which is acidic and polar, with lysine, which is basic and polar, at codon 396 of the GRM6 protein (p.Glu396Lys). This variant is present in population databases (rs773726212, gnomAD 0.01%).

Ambry Genetics
Classification: Uncertain significance for Inborn genetic diseases. Last evaluated: 2022-05-10. Review status: criteria provided, single submitter. Criteria: Ambry Variant Classification Scheme 2023. Collection method: clinical testing. Allele origin: germline.

NM_000843.4(GRM6):c.1186G>A (p.Glu396Lys)

Genes: GRM6 (glutamate metabotropic receptor 6; minus strand), ZNF454 (zinc finger protein 454; plus strand). Cytogenetic location: 5q35.3.
Variant type: single nucleotide variant.
Coding change: c.1186G>A on transcript NM_000843.4 (MANE Select); coding-DNA position 1186, G replaced by A.
Protein change: p.Glu396Lys; replaces glutamic acid 396 with lysine.
Molecular consequence: missense variant.
Genome position (GRCh38, 1-based): chr5:178,989,103, C>T on the plus strand (G>A on the coding strand, the complement: GRM6 is on the minus strand). VCF-style: chr5-178989103-C-T. GRCh37 (hg19) VCF-style: chr5-178416104-C-T.
Other names: c.1186G>A (NM_000843.3); short protein forms E396K.
Identifiers: ClinVar variation 1513596 (VCV001513596.8), dbSNP rs773726212, ClinGen allele CA3594155.